The following is an entry in ClinVar:

ClinVar aggregate classification (germline): Uncertain significance (1 of 4 stars; one submission).

Allele frequency attached by ClinVar (database versions not stated): gnomAD exomes below 0.00001; gnomAD 0.00001.
gnomAD v4.1: 2 of 1,614,108 alleles (0.00012%); highest among the groups gnomAD compares: Non-Finnish European, 0.00017%; no homozygotes.

Submission:

Labcorp Genetics (formerly Invitae), Labcorp
Classification: Uncertain significance. Last evaluated: 2024-04-16. Review status: criteria provided, single submitter. Criteria: Invitae Variant Classification Sherloc (09022015). Collection method: clinical testing. Allele origin: germline.
Comment: This sequence change replaces glutamine, which is neutral and polar, with histidine, which is basic and polar, at codon 1663 of the MCM3AP protein (p.Gln1663His). This variant is not present in population databases (gnomAD no frequency). This variant has not been reported in the literature in individuals affected with MCM3AP-related conditions. ClinVar contains an entry for this variant (Variation ID: 1926838). An algorithm developed to predict the effect of missense changes on protein structure and function (PolyPhen-2) suggests that this variant is likely to be disruptive. In summary, the available evidence is currently insufficient to determine the role of this variant in disease. Therefore, it has been classified as a Variant of Uncertain Significance.

NM_003906.5(MCM3AP):c.4989G>T (p.Gln1663His)

Genes: MCM3AP (minichromosome maintenance complex component 3 associated protein; minus strand), MCM3AP-AS1 (MCM3AP antisense RNA 1; plus strand). Cytogenetic location: 21q22.3.
Variant type: single nucleotide variant.
Coding change: c.4989G>T on transcript NM_003906.5 (MANE Select); coding-DNA position 4989, G replaced by T.
Protein change: p.Gln1663His; replaces glutamine 1663 with histidine.
Molecular consequence: missense variant.
Genome position (GRCh38, 1-based): chr21:46,244,856, C>A on the plus strand (G>T on the coding strand, the complement: MCM3AP is on the minus strand). VCF-style: chr21-46244856-C-A. GRCh37 (hg19) VCF-style: chr21-47664770-C-A.
Other names: short protein forms Q1663H.
Identifiers: ClinVar variation 1926838 (VCV001926838.5), dbSNP rs2080737122, ClinGen allele CA410542652.